The following is an entry in ClinVar:

ClinVar aggregate classification (germline): Likely benign (0 of 4 stars; one submission).

Conditions:
HAP1-related disorder. Also called: HAP1-related condition.

Allele frequency attached by ClinVar (database versions not stated): TOPMed 0.00006; ExAC 0.00016.
gnomAD v4.1: 142 of 1,612,634 alleles (0.0088%); highest among the groups gnomAD compares: East Asian, 0.25%; no homozygotes.

Submission:

PreventionGenetics, part of Exact Sciences
Classification: Likely benign for HAP1-related condition. Last evaluated: 2022-03-15. Review status: no assertion criteria provided. Collection method: clinical testing. Allele origin: germline.
Comment: This variant is classified as likely benign based on ACMG/AMP sequence variant interpretation guidelines (Richards et al. 2015 PMID: 25741868, with internal and published modifications).

NM_177977.3(HAP1):c.1015G>A (p.Asp339Asn)

Gene: HAP1 (huntingtin associated protein 1; minus strand). Cytogenetic location: 17q21.2.
Variant type: single nucleotide variant.
Coding change: c.1015G>A on transcript NM_177977.3 (MANE Select); coding-DNA position 1015, G replaced by A.
Protein change: p.Asp339Asn; replaces aspartic acid 339 with asparagine.
Molecular consequence: missense variant.
Genome position (GRCh38, 1-based): chr17:41,731,547, C>T on the plus strand (G>A on the coding strand, the complement: HAP1 is on the minus strand). VCF-style: chr17-41731547-C-T. GRCh37 (hg19) VCF-style: chr17-39887799-C-T.
Other names: c.1039G>A, p.Asp347Asn (NM_001079870.1); c.1015G>A, p.Asp339Asn (NM_001079871.1, NM_001367459.1, NM_001367460.1 and 2 more transcripts); short protein forms D339N, D347N.
Identifiers: ClinVar variation 3054149 (VCV003054149.2), dbSNP rs782208161, ClinGen allele CA8564596.